The following is an entry in ClinVar:

NM_014915.3(ANKRD26):c.4507G>T (p.Ala1503Ser)

Gene: ANKRD26 (ankyrin repeat domain 26; minus strand). Cytogenetic location: 10p12.1.
Variant type: single nucleotide variant.
Coding change: c.4507G>T on transcript NM_014915.3 (MANE Select); coding-DNA position 4507, G replaced by T.
Protein change: p.Ala1503Ser; replaces alanine 1503 with serine.
Molecular consequence: missense variant.
Genome position (GRCh38, 1-based): chr10:27,014,711, C>A on the plus strand (G>T on the coding strand, the complement: ANKRD26 is on the minus strand). VCF-style: chr10-27014711-C-A. GRCh37 (hg19) VCF-style: chr10-27303640-C-A.
Other names: c.4504G>T, p.Ala1502Ser (NM_001256053.2); short protein forms A1502S, A1503S.
Identifiers: ClinVar variation 1337531 (VCV001337531.7), dbSNP rs1025942290, ClinGen allele CA204434327.
Genomic context (GRCh38, chr10:27,014,711, plus strand): 5'-TCATTGAAGCAAAATTATTCTCTCTAAACTGCTCTAAGTTTTCTTGAGATGCTGCTTGTG[C>A]CTAAAACAAATTAAAAGCATATGTTTTAAAAATATATAACCTGAGTAAGACCATGGTCAC-3'
Protein context (NP_055730.2, residues 1493-1513): KLKEVNLFLQ[Ala1503Ser]QAASQENLEQ

ClinVar aggregate classification (germline): Uncertain significance. Review status: criteria provided, multiple submitters, no conflicts (2 of 4 stars). 3 submissions from 3 submitters: Uncertain significance (3). Last evaluated 2025-10-26.

Conditions:
Inborn genetic diseases. Identifiers: MedGen C0950123, MeSH D030342.

Submissions (3):

Ambry Genetics
Classification: Uncertain significance for Inborn genetic diseases. Last evaluated: 2025-10-26. Review status: criteria provided, single submitter. Criteria: Ambry Variant Classification Scheme 2023. Collection method: clinical testing. Allele origin: germline.
Comment: The p.A1503S variant (also known as c.4507G>T) is located in coding exon 31 of the ANKRD26 gene. The alanine at codon 1503 is replaced by serine, an amino acid with similar properties. This change occurs in the first base pair of coding exon 31. This amino acid position is conserved. In addition, this alteration is predicted to be tolerated by in silico analysis. Based on the available evidence, the clinical significance of this variant remains unclear.

Labcorp Genetics (formerly Invitae), Labcorp
Classification: Uncertain significance. Last evaluated: 2024-06-24. Review status: criteria provided, single submitter. Criteria: Invitae Variant Classification Sherloc (09022015). Collection method: clinical testing. Allele origin: germline.
Comment: This sequence change replaces alanine, which is neutral and non-polar, with serine, which is neutral and polar, at codon 1503 of the ANKRD26 protein (p.Ala1503Ser). This variant is not present in population databases (gnomAD no frequency). This variant has not been reported in the literature in individuals affected with ANKRD26-related conditions. ClinVar contains an entry for this variant (Variation ID: 1337531). An algorithm developed to predict the effect of missense changes on protein structure and function (PolyPhen-2) suggests that this variant is likely to be tolerated. In summary, the available evidence is currently insufficient to determine the role of this variant in disease. Therefore, it has been classified as a Variant of Uncertain Significance.

Genetic Services Laboratory, University of Chicago
Classification: Uncertain significance. Last evaluated: 2020-02-05. Review status: criteria provided, single submitter. Criteria: ACMG Guidelines, 2015. Collection method: clinical testing. Allele origin: germline. Affected: no.
Comment: The second sequence change, c.4507G>T, is present in the exon 31 results in an amino acid change, p.Ala1503Ser. This sequence change does not appear to have been previously described in patients with ANKRD26-related disorders and has also not been described as a known benign sequence change in the ANKRD26 gene. The p.Ala1503Ser change affects a poorly conserved amino acid residue located in a domain of the ANKRD26 protein that is not known to be functional. The p.Ala1503Ser substitution appears to be benign using several in-silico pathogenicity prediction tools (SIFT, PolyPhen2, Align GVGD, REVEL). Due to these contrasting evidences and the lack of functional studies, the clinical significance of the p.Ala1503Ser change remains unknown at this time.